The following is an entry in ClinVar:

ClinVar aggregate classification (germline): Uncertain significance. Review status: criteria provided, single submitter (1 of 4 stars). 2 submissions from 2 submitters: Uncertain significance (1). 1 of the submissions does not count toward it. Last evaluated 2025-11-15.

Conditions:
DISP1-related disorder. Also called: DISP1-related condition.

Allele frequency attached by ClinVar (database versions not stated): ExAC 0.00035; TOPMed 0.00040; ESP Exome Variant Server 0.00062; gnomAD exomes 0.00058; gnomAD 0.00042.
gnomAD v4.1: 908 of 1,609,624 alleles (0.056%); highest among the groups gnomAD compares: East Asian, 0.076%; no homozygotes.

Submissions (2):

Labcorp Genetics (formerly Invitae), Labcorp
Classification: Uncertain significance. Last evaluated: 2025-11-15. Review status: criteria provided, single submitter. Criteria: Invitae Variant Classification Sherloc (09022015). Collection method: clinical testing. Allele origin: germline.
Comment: This sequence change replaces serine, which is neutral and polar, with glycine, which is neutral and non-polar, at codon 1152 of the DISP1 protein (p.Ser1152Gly). This variant is present in population databases (rs141653283, gnomAD 0.2%). This variant has not been reported in the literature in individuals affected with DISP1-related conditions. ClinVar contains an entry for this variant (Variation ID: 2699572). An algorithm developed to predict the effect of missense changes on protein structure and function outputs the following: PolyPhen-2: "Benign". The glycine amino acid residue is found in multiple mammalian species, which suggests that this missense change does not adversely affect protein function. In summary, the available evidence is currently insufficient to determine the role of this variant in disease. Therefore, it has been classified as a Variant of Uncertain Significance.

PreventionGenetics, part of Exact Sciences
Classification: Likely benign for DISP1-related condition. Last evaluated: 2022-02-01. Review status: no assertion criteria provided. Collection method: clinical testing. Allele origin: germline. Not counted in ClinVar's aggregate classification.
Comment: This variant is classified as likely benign based on ACMG/AMP sequence variant interpretation guidelines (Richards et al. 2015 PMID: 25741868, with internal and published modifications).

NM_001377229.1(DISP1):c.3454A>G (p.Ser1152Gly)

Gene: DISP1 (dispatched RND transporter family member 1; plus strand). Cytogenetic location: 1q41.
Variant type: single nucleotide variant.
Coding change: c.3454A>G on transcript NM_001377229.1 (MANE Select); coding-DNA position 3454, A replaced by G.
Protein change: p.Ser1152Gly; replaces serine 1152 with glycine.
Molecular consequence: missense variant.
Genome position (GRCh38, 1-based): chr1:223,004,851, A>G. VCF-style: chr1-223004851-A-G. GRCh37 (hg19) VCF-style: chr1-223178193-A-G.
Other names: c.2725A>G, p.Ser909Gly (NM_001350630.2); c.3454A>G, p.Ser1152Gly (NM_001369594.1, NM_001377228.1, NM_032890.5); short protein forms S1152G, S909G.
Identifiers: ClinVar variation 2699572 (VCV002699572.5), dbSNP rs141653283, ClinGen allele CA1409413.
Genomic context (GRCh38, chr1:223,004,851, plus strand): 5'-CGGTGCCTTGGACCACAGGGTACCTGTGGTCAGATTCCTTTACCTAAAAAACTACAGTGC[A>G]GTGCCTTTTCCCATGCCTTGTCTACAAGTCCCAGTGACAAGGGACAAAGCAAAACACATA-3'
Protein context (NP_001364158.1, residues 1142-1162): QIPLPKKLQC[Ser1152Gly]AFSHALSTSP